The following is an entry in ClinVar:

ClinVar aggregate classification (germline): Uncertain significance. Review status: criteria provided, single submitter (1 of 4 stars). 2 submissions from 2 submitters: Uncertain significance (1). 1 of the submissions does not count toward it. Last evaluated 2024-01-05.

Conditions:
Alport syndrome. Also called: Hemorrhagic familial nephritis; Hemorrhagic hereditary nephritis; Congenital hereditary hematuria. Identifiers: Orphanet 63, MedGen C1567741, MONDO:0018965.
X-linked Alport syndrome (ATS1). Also called: NEPHROPATHY AND DEAFNESS, X-LINKED; COL4A5-Related Nephropathy. Identifiers: Orphanet 63, Orphanet 88917, MedGen C4746986, MONDO:0010520, OMIM 301050.

Allele frequency attached by ClinVar (database versions not stated): gnomAD exomes below 0.00001.
gnomAD v4.1: 1 of 1,197,408 alleles (0.000084%); highest among the groups gnomAD compares: Non-Finnish European, 0.00011%; no homozygotes.

Submissions (2):

Fulgent Genetics
Classification: Uncertain significance for X-linked Alport syndrome. Last evaluated: 2024-01-05. Review status: criteria provided, single submitter. Criteria: ACMG Guidelines, 2015. Collection method: clinical testing. Allele origin: germline.

Sydney Genome Diagnostics, Children's Hospital Westmead
Classification: Uncertain significance for Alport syndrome. Last evaluated: 2018-04-03. Review status: no assertion criteria provided. Collection method: clinical testing. Allele origin: unknown. Affected: yes. Observed: 1 variant allele, 1 heterozygote. Not counted in ClinVar's aggregate classification.
Comment: This variant results in the loss of the stop codon resulting in an extension of 12 codons to the protein length in this gene. The variant has not been reported in any population databases (i.e. ExAC, ESP or dbSNP). To our knowledge, this variant has not been previously reported in the literature or any disease specific databases. This variant is considered to be a variant of uncertain clinical significance (VOUS) according to the ACMG guidelines.

NM_033380.3(COL4A5):c.5074T>A (p.Ter1692Lys)

Gene: COL4A5 (collagen type IV alpha 5 chain; plus strand). Cytogenetic location: Xq22.3.
Variant type: single nucleotide variant.
Coding change: c.5074T>A on transcript NM_033380.3 (MANE Select); coding-DNA position 5074, T replaced by A.
Protein change: p.Ter1692Lys.
Molecular consequence: stop lost.
Genome position (GRCh38, 1-based): chrX:108,696,376, T>A. VCF-style: chrX-108696376-T-A. GRCh37 (hg19) VCF-style: chrX-107939606-T-A.
Other names: c.5056T>A, p.Ter1686Lys (NM_000495.5).
Identifiers: ClinVar variation 988152 (VCV000988152.2), dbSNP rs2068734296, ClinGen allele CA414133200.
Genomic context (GRCh38, chrX:108,696,376, plus strand): 5'-CTGAAAGCAGGAGACTTGAGGACACGAATTAGCCGATGTCAAGTGTGCATGAAGAGGACA[T>A]AACATTTTGAAGAATTCCTTTTGTGTTTTAAAATGTGATATATATATATATAAAATTCCT-3'